The following is an entry in ClinVar:

NM_002067.5(GNA11):c.467_468del (p.Ser156fs)

Gene: GNA11 (G protein subunit alpha 11; plus strand). Cytogenetic location: 19p13.3.
Variant type: Microsatellite.
Coding change: c.467_468del on transcript NM_002067.5 (MANE Select); coding-DNA positions 467 to 468, 2 bases deleted (CT; older notation c.467_468delCT).
Protein change: p.Ser156fs; shifts the reading frame from serine 156.
Molecular consequence: frameshift variant.
Genome position (GRCh38, 1-based): chr19:3,113,475-3,113,476, CT deleted; deleting any 2 consecutive bases within chr19:3,113,473-3,113,476 gives the same sequence; the c. name uses the placement nearest the transcript's 3' end. VCF-style (leftmost placement, unchanged base first): chr19-3113472-ACT-A. GRCh37 (hg19) VCF-style: chr19-3113470-ACT-A.
Other names: short protein forms S156fs.
Identifiers: ClinVar variation 3606220 (VCV003606220.2).

ClinVar aggregate classification (germline): Uncertain significance (1 of 4 stars; one submission).

Submission:

Labcorp Genetics (formerly Invitae), Labcorp
Classification: Uncertain significance. Last evaluated: 2024-05-02. Review status: criteria provided, single submitter. Criteria: Invitae Variant Classification Sherloc (09022015). Collection method: clinical testing. Allele origin: germline.
Comment: This sequence change creates a premature translational stop signal (p.Ser156Cysfs*9) in the GNA11 gene. It is expected to result in an absent or disrupted protein product. However, the current clinical and genetic evidence is not sufficient to establish whether loss-of-function variants in GNA11 cause disease. This variant is not present in population databases (gnomAD no frequency). This variant has not been reported in the literature in individuals affected with GNA11-related conditions. In summary, the available evidence is currently insufficient to determine the role of this variant in disease. Therefore, it has been classified as a Variant of Uncertain Significance.